The following is an entry in ClinVar:

ClinVar aggregate classification (germline): Uncertain significance (1 of 4 stars; one submission).

Conditions:
Hereditary cancer-predisposing syndrome. Also called: Neoplastic Syndromes, Hereditary; Tumor predisposition; Hereditary Cancer Syndrome; Hereditary neoplastic syndrome. Identifiers: Orphanet 140162, MedGen C0027672, MeSH D009386, MONDO:0015356.

gnomAD v4.1: 2 of 1,613,850 alleles (0.00012%); highest among the groups gnomAD compares: Non-Finnish European, 0.00017%; no homozygotes.

Submission:

Ambry Genetics
Classification: Uncertain significance for Hereditary cancer-predisposing syndrome. Last evaluated: 2023-01-21. Review status: criteria provided, single submitter. Criteria: Ambry Variant Classification Scheme 2023. Collection method: clinical testing. Allele origin: germline.
Comment: The p.L409V variant (also known as c.1225C>G), located in coding exon 8 of the ATM gene, results from a C to G substitution at nucleotide position 1225. The leucine at codon 409 is replaced by valine, an amino acid with highly similar properties. This amino acid position is not well conserved in available vertebrate species. In addition, this alteration is predicted to be tolerated by in silico analysis. Since supporting evidence is limited at this time, the clinical significance of this alteration remains unclear.

NM_000051.4(ATM):c.1225C>G (p.Leu409Val)

Gene: ATM (ATM serine/threonine kinase; plus strand). Cytogenetic location: 11q22.3.
Variant type: single nucleotide variant.
Coding change: c.1225C>G on transcript NM_000051.4 (MANE Select); coding-DNA position 1225, C replaced by G.
Protein change: p.Leu409Val; replaces leucine 409 with valine.
Molecular consequence: missense variant.
Genome position (GRCh38, 1-based): chr11:108,249,092, C>G. VCF-style: chr11-108249092-C-G. GRCh37 (hg19) VCF-style: chr11-108119819-C-G.
Other names: c.1225C>G, p.Leu409Val (NM_001351834.2); short protein forms L409V.
Identifiers: ClinVar variation 1754104 (VCV001754104.3), dbSNP rs786203815, ClinGen allele CA382532650.